The following is an entry in ClinVar:

ClinVar aggregate classification (germline): Likely benign. Review status: criteria provided, multiple submitters, no conflicts (2 of 4 stars). 4 submissions from 4 submitters: Likely benign (4). Last evaluated 2026-01-19.

Conditions:
Primary ciliary dyskinesia. Also called: Ciliary dyskinesia. Identifiers: Orphanet 244, MedGen C0008780, MONDO:0016575, HP:0012265.

Allele frequency attached by ClinVar (database versions not stated): gnomAD 0.00002 and 0.00003; TOPMed 0.00003; gnomAD exomes 0.00005.
gnomAD v4.1: 73 of 1,535,440 alleles (0.0048%); highest among the groups gnomAD compares: Middle Eastern, 0.22%; 1 homozygote.

Submissions (4):

Labcorp Genetics (formerly Invitae), Labcorp
Classification: Likely benign for Primary ciliary dyskinesia. Last evaluated: 2026-01-19. Review status: criteria provided, single submitter. Criteria: Invitae Variant Classification Sherloc (09022015). Collection method: clinical testing. Allele origin: germline.

CeGaT Center for Human Genetics Tuebingen
Classification: Likely benign. Last evaluated: 2023-08-01. Review status: criteria provided, single submitter. Criteria: CeGaT Center For Human Genetics Tuebingen Variant Classification Criteria Version 2. Collection method: clinical testing. Allele origin: germline. Affected: yes. Observed: 1 variant allele.
Comment: CCDC39: BP4, BP7

Breakthrough Genomics
Classification: Likely benign. Review status: criteria provided, single submitter. Criteria: ACMG Guidelines, 2015. Collection method: not provided. Allele origin: germline. Inheritance: Autosomal recessive inheritance. Affected: yes.

PreventionGenetics, part of Exact Sciences
Classification: Likely benign. Review status: criteria provided, single submitter. Criteria: ACMG Guidelines, 2015. Collection method: clinical testing. Allele origin: germline.

NM_181426.2(CCDC39):c.993T>C (p.Asn331=)

Gene: CCDC39 (coiled-coil domain 39 molecular ruler complex subunit; minus strand). Cytogenetic location: 3q26.33.
Variant type: single nucleotide variant.
Coding change: c.993T>C on transcript NM_181426.2 (MANE Select); coding-DNA position 993, T replaced by C.
Protein change: p.Asn331=; no amino-acid change (asparagine 331 retained).
Molecular consequence: synonymous variant.
Genome position (GRCh38, 1-based): chr3:180,652,204, A>G on the plus strand (T>C on the coding strand, the complement: CCDC39 is on the minus strand). VCF-style: chr3-180652204-A-G. GRCh37 (hg19) VCF-style: chr3-180369992-A-G.
Identifiers: ClinVar variation 262980 (VCV000262980.37), dbSNP rs867488884, ClinGen allele CA10586854.